The following is an entry in ClinVar:

ClinVar aggregate classification (germline): Uncertain significance (1 of 4 stars; one submission).

gnomAD v4.1: 4 of 1,613,420 alleles (0.00025%); highest among the groups gnomAD compares: South Asian, 0.0033%; no homozygotes.

Submission:

Labcorp Genetics (formerly Invitae), Labcorp
Classification: Uncertain significance. Last evaluated: 2022-07-25. Review status: criteria provided, single submitter. Criteria: Invitae Variant Classification Sherloc (09022015). Collection method: clinical testing. Allele origin: germline.
Comment: This sequence change replaces alanine, which is neutral and non-polar, with threonine, which is neutral and polar, at codon 889 of the ITGAM protein (p.Ala889Thr). In summary, the available evidence is currently insufficient to determine the role of this variant in disease. Therefore, it has been classified as a Variant of Uncertain Significance. Algorithms developed to predict the effect of missense changes on protein structure and function output the following: SIFT: "Deleterious"; PolyPhen-2: "Possibly Damaging"; Align-GVGD: "Class C55". The threonine amino acid residue is found in multiple mammalian species, which suggests that this missense change does not adversely affect protein function. This variant has not been reported in the literature in individuals affected with ITGAM-related conditions. This variant is present in population databases (no rsID available, gnomAD 0.003%).

NM_000632.4(ITGAM):c.2665G>A (p.Ala889Thr)

Gene: ITGAM (integrin subunit alpha M; plus strand). Cytogenetic location: 16p11.2.
Variant type: single nucleotide variant.
Coding change: c.2665G>A on transcript NM_000632.4 (MANE Select); coding-DNA position 2665, G replaced by A.
Protein change: p.Ala889Thr; replaces alanine 889 with threonine.
Molecular consequence: missense variant.
Genome position (GRCh38, 1-based): chr16:31,326,892, G>A. VCF-style: chr16-31326892-G-A. GRCh37 (hg19) VCF-style: chr16-31338213-G-A.
Other names: c.2668G>A, p.Ala890Thr (NM_001145808.2); short protein forms A889T, A890T.
Identifiers: ClinVar variation 1947172 (VCV001947172.5), dbSNP rs1436264385, ClinGen allele CA395695196.